The following is an entry in ClinVar:

NM_002692.4(POLE2):c.699A>G (p.Gln233=)

Gene: POLE2 (DNA polymerase epsilon 2, accessory subunit; minus strand). Cytogenetic location: 14q21.3.
Variant type: single nucleotide variant.
Coding change: c.699A>G on transcript NM_002692.4 (MANE Select); coding-DNA position 699, A replaced by G.
Protein change: p.Gln233=; no amino-acid change (glutamine 233 retained).
Molecular consequence: synonymous variant.
Genome position (GRCh38, 1-based): chr14:49,663,371, T>C on the plus strand (A>G on the coding strand, the complement: POLE2 is on the minus strand). VCF-style: chr14-49663371-T-C. GRCh37 (hg19) VCF-style: chr14-50130089-T-C.
Other names: c.621A>G, p.Gln207= (NM_001197330.2); c.699A>G, p.Gln233= (NM_001197331.3, NM_001348384.2); c.468A>G, p.Gln156= (NM_001348385.2).
Identifiers: ClinVar variation 1905757 (VCV001905757.5), dbSNP rs747665307, ClinGen allele CA7173492.

ClinVar aggregate classification (germline): Uncertain significance (1 of 4 stars; one submission).

Allele frequency attached by ClinVar (database versions not stated): ExAC 0.00001; gnomAD exomes 0.00002.
gnomAD v4.1: 11 of 1,610,114 alleles (0.00068%); highest among the groups gnomAD compares: East Asian, 0.025%; no homozygotes.

Submission:

Labcorp Genetics (formerly Invitae), Labcorp
Classification: Uncertain significance. Last evaluated: 2025-06-17. Review status: criteria provided, single submitter. Criteria: Invitae Variant Classification Sherloc (09022015). Collection method: clinical testing. Allele origin: germline.
Comment: This sequence change affects codon 233 of the POLE2 mRNA. It is a 'silent' change, meaning that it does not change the encoded amino acid sequence of the POLE2 protein. This variant is present in population databases (rs747665307, gnomAD 0.006%). This variant has not been reported in the literature in individuals affected with POLE2-related conditions. ClinVar contains an entry for this variant (Variation ID: 1905757). Algorithms developed to predict the effect of sequence changes on RNA splicing suggest that this variant may disrupt the consensus splice site. In summary, the available evidence is currently insufficient to determine the role of this variant in disease. Therefore, it has been classified as a Variant of Uncertain Significance.